The following is an entry in ClinVar:

ClinVar aggregate classification (germline): Pathogenic (1 of 4 stars; one submission).

Conditions:
Isolated microphthalmia 2. Identifiers: Orphanet 2542, MedGen C1864720, MONDO:0012409, OMIM 610093.

Submission:

Labcorp Genetics (formerly Invitae), Labcorp
Classification: Pathogenic for Isolated microphthalmia 2. Last evaluated: 2020-12-16. Review status: criteria provided, single submitter. Criteria: Invitae Variant Classification Sherloc (09022015). Collection method: clinical testing. Allele origin: germline.
Comment: This sequence change creates a premature translational stop signal (p.Trp203*) in the VSX2 gene. It is expected to result in an absent or disrupted protein product. Loss-of-function variants in VSX2 are known to be pathogenic (PMID: 20414678). For these reasons, this variant has been classified as Pathogenic. This variant has not been reported in the literature in individuals with VSX2-related conditions. This variant is not present in population databases (ExAC no frequency).

Literature cited by the submitters: PubMed 20414678.

NM_182894.3(VSX2):c.608G>A (p.Trp203Ter)

Gene: VSX2 (visual system homeobox 2; plus strand). Cytogenetic location: 14q24.3.
Variant type: single nucleotide variant.
Coding change: c.608G>A on transcript NM_182894.3 (MANE Select); coding-DNA position 608, G replaced by A.
Protein change: p.Trp203Ter; replaces tryptophan 203 with a stop codon.
Molecular consequence: nonsense.
Genome position (GRCh38, 1-based): chr14:74,259,630, G>A. VCF-style: chr14-74259630-G-A. GRCh37 (hg19) VCF-style: chr14-74726333-G-A.
Other names: short protein forms W203*.
Identifiers: ClinVar variation 1451168 (VCV001451168.6), dbSNP rs2139645844, ClinGen allele CA390369155.
Genomic context (GRCh38, chr14:74,259,630, plus strand): 5'-GCAAGCCTCTGACCTGTTCTGTGCACCTGCAGGTCTGGTTCCAGAACCGTCGAGCCAAGT[G>A]GAGGAAGCGGGAGAAGTGCTGGGGCCGGAGCAGTGTCATGGCGGAGTATGGGCTCTACGG-3'